The following is an entry in ClinVar:

ClinVar aggregate classification (germline): Benign/Likely benign. Review status: criteria provided, multiple submitters, no conflicts (2 of 4 stars). 4 submissions from 4 submitters: Benign (1); Likely benign (3). Last evaluated 2026-08-17.

Conditions:
KMT2D-related disorder. Also called: KMT2D-Related Disorders.
Inborn genetic diseases. Identifiers: MedGen C0950123, MeSH D030342.
Kabuki syndrome. Also called: Kabuki make-up syndrome; NIIKAWA-KUROKI SYNDROME. Identifiers: Orphanet 2322, MedGen C0796004, MONDO:0016512.

Allele frequency attached by ClinVar (database versions not stated): ExAC 0.00003; TOPMed 0.00005; gnomAD 0.00006; gnomAD exomes 0.00006 and 0.00009.
gnomAD v4.1: 65 of 1,612,970 alleles (0.004%); highest among the groups gnomAD compares: Non-Finnish European, 0.0051%; no homozygotes.

Submissions (4):

PreventionGenetics, part of Exact Sciences
Classification: Likely benign for KMT2D-related condition. Last evaluated: 2026-08-17. Review status: criteria provided, single submitter. Criteria: ACMG Guidelines, 2015. Collection method: clinical testing. Allele origin: germline.
Comment: This variant is classified as likely benign based on ACMG/AMP sequence variant interpretation guidelines (Richards et al. 2015 PMID: 25741868, with internal and published modifications).

Labcorp Genetics (formerly Invitae), Labcorp
Classification: Benign for Kabuki syndrome. Last evaluated: 2026-01-14. Review status: criteria provided, single submitter. Criteria: Invitae Variant Classification Sherloc (09022015). Collection method: clinical testing. Allele origin: germline.

Ambry Genetics
Classification: Likely benign for Inborn genetic diseases. Last evaluated: 2022-04-07. Review status: criteria provided, single submitter. Criteria: Ambry Variant Classification Scheme 2023. Collection method: clinical testing. Allele origin: germline.

Eurofins Ntd Llc (ga)
Classification: Likely benign. Last evaluated: 2015-03-05. Review status: criteria provided, single submitter. Criteria: EGL Classification Definitions 2015. Collection method: clinical testing. Allele origin: germline. Observed: 1 variant allele, 1 heterozygote.

NM_003482.4(KMT2D):c.15200C>T (p.Thr5067Met)

Gene: KMT2D (lysine methyltransferase 2D; minus strand). Cytogenetic location: 12q13.12.
Variant type: single nucleotide variant.
Coding change: c.15200C>T on transcript NM_003482.4 (MANE Select); coding-DNA position 15200, C replaced by T.
Protein change: p.Thr5067Met; replaces threonine 5067 with methionine.
Molecular consequence: missense variant.
Genome position (GRCh38, 1-based): chr12:49,026,766, G>A on the plus strand (C>T on the coding strand, the complement: KMT2D is on the minus strand). VCF-style: chr12-49026766-G-A. GRCh37 (hg19) VCF-style: chr12-49420549-G-A.
Other names: c.15200C>T (NM_003482.3); short protein forms T5067M.
Identifiers: ClinVar variation 197585 (VCV000197585.12), dbSNP rs767962124, ClinGen allele CA202964.